The following is an entry in ClinVar:

ClinVar aggregate classification (germline): Uncertain significance. Review status: criteria provided, multiple submitters, no conflicts (2 of 4 stars). 2 submissions from 2 submitters: Uncertain significance (2). Last evaluated 2026-08-10.

Conditions:
Ehlers-Danlos syndrome, classic type, 1 (EDSCL1). Also called: EDS I; EHLERS-DANLOS SYNDROME, GRAVIS TYPE; EHLERS-DANLOS SYNDROME, SEVERE CLASSIC TYPE; Ehlers-Danlos Syndrome, Classic Type, COL5A1-Related; Ehlers-Danlos syndrome, type 1. Identifiers: MedGen C0268335, MONDO:0019567, OMIM 130000.
Osteogenesis imperfecta type I (OI1). Also called: OI, TYPE I; OSTEOGENESIS IMPERFECTA TARDA; OSTEOGENESIS IMPERFECTA WITH BLUE SCLERAE; Osteogenesis imperfecta type 1; Classic Non-deforming Osteogenesis Imperfecta with Blue Sclerae; Lobstein's Disease. Identifiers: Orphanet 216796, Orphanet 666, MedGen C0023931, MONDO:0008146, OMIM 166200. Disease mechanism: loss of function.
Cardiovascular phenotype. Identifiers: MedGen CN230736.

Submissions (2):

Ambry Genetics
Classification: Uncertain significance for Cardiovascular phenotype. Last evaluated: 2026-08-10. Review status: criteria provided, single submitter. Criteria: Ambry Variant Classification Scheme 2023. Collection method: clinical testing. Allele origin: germline.
Comment: The p.P504T variant (also known as c.1510C>A), located in coding exon 26 of the COL1A2 gene, results from a C to A substitution at nucleotide position 1510. The proline at codon 504 is replaced by threonine, an amino acid with highly similar properties. This amino acid position is conserved. In addition, the in silico prediction for this alteration is inconclusive. Based on the available evidence, the clinical significance of this variant remains unclear.

Labcorp Genetics (formerly Invitae), Labcorp
Classification: Uncertain significance for Osteogenesis imperfecta type I; Ehlers-Danlos syndrome, classic type, 1. Last evaluated: 2022-08-30. Review status: criteria provided, single submitter. Criteria: Invitae Variant Classification Sherloc (09022015). Collection method: clinical testing. Allele origin: germline.
Comment: In summary, the available evidence is currently insufficient to determine the role of this variant in disease. Therefore, it has been classified as a Variant of Uncertain Significance. Advanced modeling of protein sequence and biophysical properties (such as structural, functional, and spatial information, amino acid conservation, physicochemical variation, residue mobility, and thermodynamic stability) performed at Invitae indicates that this missense variant is not expected to disrupt COL1A2 protein function. This variant has not been reported in the literature in individuals affected with COL1A2-related conditions. This variant is present in population databases (no rsID available, gnomAD 0.002%). This sequence change replaces proline, which is neutral and non-polar, with threonine, which is neutral and polar, at codon 504 of the COL1A2 protein (p.Pro504Thr).

NM_000089.4(COL1A2):c.1510C>A (p.Pro504Thr)

Gene: COL1A2 (collagen type I alpha 2 chain; plus strand). Cytogenetic location: 7q21.3.
Variant type: single nucleotide variant.
Coding change: c.1510C>A on transcript NM_000089.4 (MANE Select); coding-DNA position 1510, C replaced by A.
Protein change: p.Pro504Thr; replaces proline 504 with threonine.
Molecular consequence: missense variant.
Genome position (GRCh38, 1-based): chr7:94,413,089, C>A. VCF-style: chr7-94413089-C-A. GRCh37 (hg19) VCF-style: chr7-94042401-C-A.
Other names: short protein forms P504T.
Identifiers: ClinVar variation 2133088 (VCV002133088.5), dbSNP rs1291544238, ClinGen allele CA368222001.